The following is an entry in ClinVar:

ClinVar aggregate classification (germline): Uncertain significance. Review status: criteria provided, multiple submitters, no conflicts (2 of 4 stars). 2 submissions from 2 submitters: Uncertain significance (2). Last evaluated 2024-12-08.

Conditions:
Inborn genetic diseases. Identifiers: MedGen C0950123, MeSH D030342.
Baller-Gerold syndrome (BGS). Also called: CRANIOSYNOSTOSIS WITH RADIAL DEFECTS. Identifiers: Orphanet 1225, MedGen C0265308, MONDO:0009039, OMIM 218600.

Allele frequency attached by ClinVar (database versions not stated): gnomAD exomes below 0.00001; ExAC 0.00001.

Submissions (2):

Ambry Genetics
Classification: Uncertain significance for Inborn genetic diseases. Last evaluated: 2024-12-08. Review status: criteria provided, single submitter. Criteria: Ambry Variant Classification Scheme 2023. Collection method: clinical testing. Allele origin: germline.
Comment: The p.P324L variant (also known as c.971C>T), located in coding exon 5 of the RECQL4 gene, results from a C to T substitution at nucleotide position 971. The proline at codon 324 is replaced by leucine, an amino acid with similar properties. This amino acid position is conserved. In addition, this alteration is predicted to be tolerated by in silico analysis. Based on the available evidence, the clinical significance of this variant remains unclear.

Labcorp Genetics (formerly Invitae), Labcorp
Classification: Uncertain significance for Baller-Gerold syndrome. Last evaluated: 2023-07-17. Review status: criteria provided, single submitter. Criteria: Invitae Variant Classification Sherloc (09022015). Collection method: clinical testing. Allele origin: germline.
Comment: In summary, the available evidence is currently insufficient to determine the role of this variant in disease. Therefore, it has been classified as a Variant of Uncertain Significance. Experimental studies and prediction algorithms are not available or were not evaluated, and the functional significance of this variant is currently unknown. ClinVar contains an entry for this variant (Variation ID: 661342). This variant has not been reported in the literature in individuals affected with RECQL4-related conditions. This variant is present in population databases (rs756986756, gnomAD 0.0009%). This sequence change replaces proline, which is neutral and non-polar, with leucine, which is neutral and non-polar, at codon 324 of the RECQL4 protein (p.Pro324Leu).

NM_004260.4(RECQL4):c.971C>T (p.Pro324Leu)

Gene: RECQL4 (RecQ like helicase 4; minus strand). Cytogenetic location: 8q24.3.
Variant type: single nucleotide variant.
Coding change: c.971C>T on transcript NM_004260.4 (MANE Select); coding-DNA position 971, C replaced by T.
Protein change: p.Pro324Leu; replaces proline 324 with leucine.
Molecular consequence: missense variant.
Genome position (GRCh38, 1-based): chr8:144,516,148, G>A on the plus strand (C>T on the coding strand, the complement: RECQL4 is on the minus strand). VCF-style: chr8-144516148-G-A. GRCh37 (hg19) VCF-style: chr8-145741532-G-A.
Other names: short protein forms P324L.
Identifiers: ClinVar variation 661342 (VCV000661342.7), dbSNP rs756986756, ClinGen allele CA4949121.
Genomic context (GRCh38, chr8:144,516,148, plus strand): 5'-CGAGGGAAGATGTGCAGGGGGGCTGTGCCCTCAGCCTTCCCAGCCCTAGCTTGACTGGAG[G>A]GGCTGAGTCCGTGGTACCTGGGGTTCGATGGGCTGCTGCAGGGCTGAGGTGGCTGTGCCT-3'
Protein context (NP_004251.4, residues 314-334): PSNPRYHGLS[Pro324Leu]SSQARAGKAE